The following is an entry in ClinVar:

ClinVar aggregate classification (germline): Uncertain significance. Review status: criteria provided, multiple submitters, no conflicts (2 of 4 stars). 4 submissions from 4 submitters: Uncertain significance (4). Last evaluated 2025-12-03.

Conditions:
Autosomal recessive limb-girdle muscular dystrophy type 2J (LGMDR10). Also called: Limb-girdle muscular dystrophy, type 2J; MUSCULAR DYSTROPHY, LIMB-GIRDLE, AUTOSOMAL RECESSIVE 10. Identifiers: Orphanet 140922, MedGen C1837342, MONDO:0012127, OMIM 608807.
Dilated cardiomyopathy 1G (CMD1G). Identifiers: Orphanet 154, MedGen C1858763, MONDO:0011400, OMIM 604145.

Allele frequency attached by ClinVar (database versions not stated): gnomAD exomes below 0.00001; TOPMed 0.00002; ESP Exome Variant Server 0.00008.
gnomAD v4.1: 5 of 1,613,878 alleles (0.00031%); highest among the groups gnomAD compares: Non-Finnish European, 0.00042%; no homozygotes.

Submissions (4):

Women's Health and Genetics/Laboratory Corporation of America, LabCorp
Classification: Uncertain significance. Last evaluated: 2025-12-03. Review status: criteria provided, single submitter. Criteria: LabCorp Variant Classification Summary - May 2015. Collection method: clinical testing. Allele origin: germline.
Comment: Variant summary: TTN c.96919A>G (p.Arg32307Gly) results in a non-conservative amino acid change in the encoded protein sequence. Algorithms developed to predict the effect of missense changes on protein structure and function are either unavailable or do not agree on the potential impact of this missense change. The variant allele was found at a frequency of 4e-06 in 248830 control chromosomes. The available data on variant occurrences in the general population are insufficient to allow any conclusion about variant significance. To our knowledge, no occurrence of c.96919A>G in individuals affected with TTN-related conditions and no experimental evidence demonstrating its impact on protein function have been reported. ClinVar contains an entry for this variant (Variation ID: 283222). Based on the evidence outlined above, the variant was classified as uncertain significance.

Labcorp Genetics (formerly Invitae), Labcorp
Classification: Uncertain significance for Dilated cardiomyopathy 1G; Autosomal recessive limb-girdle muscular dystrophy type 2J. Last evaluated: 2025-07-03. Review status: criteria provided, single submitter. Criteria: Invitae Variant Classification Sherloc (09022015). Collection method: clinical testing. Allele origin: germline.
Comment: This sequence change replaces arginine, which is basic and polar, with glycine, which is neutral and non-polar, at codon 34875 of the TTN protein (p.Arg34875Gly). The frequency data for this variant in the population databases is considered unreliable, as metrics indicate poor data quality at this position in the gnomAD database. This variant has not been reported in the literature in individuals affected with TTN-related conditions. ClinVar contains an entry for this variant (Variation ID: 283222). Experimental studies and prediction algorithms are not available or were not evaluated, and the functional significance of this variant is currently unknown. This variant is located in the M band of TTN (PMID: 25589632). Non-truncating variants in this region may be relevant for neuromuscular disorders, but have not been definitively shown to cause cardiomyopathy (PMID: 23975875). In summary, the available evidence is currently insufficient to determine the role of this variant in disease. Therefore, it has been classified as a Variant of Uncertain Significance.

Revvity Omics, Revvity
Classification: Uncertain significance. Last evaluated: 2023-12-28. Review status: criteria provided, single submitter. Criteria: ACMG Guidelines, 2015. Collection method: clinical testing. Allele origin: germline.

Eurofins Ntd Llc (ga)
Classification: Uncertain significance. Last evaluated: 2015-09-17. Review status: criteria provided, single submitter. Criteria: EGL Classification Definitions 2015. Collection method: clinical testing. Allele origin: germline. Observed: 1 variant allele, 1 heterozygote.

Literature cited by the submitters: PubMed 25589632 (cited by Labcorp Genetics (formerly Invitae), Labcorp); PubMed 23975875 (cited by Labcorp Genetics (formerly Invitae), Labcorp).

NM_001267550.2(TTN):c.104623A>G (p.Arg34875Gly)

Genes: TTN-AS1 (TTN antisense RNA 1; plus strand), TTN (titin; minus strand). Cytogenetic location: 2q31.2.
Variant type: single nucleotide variant.
Coding change: c.104623A>G on transcript NM_001267550.2 (MANE Select); coding-DNA position 104623, A replaced by G.
Protein change: p.Arg34875Gly; replaces arginine 34875 with glycine.
Molecular consequence: missense variant.
Genome position (GRCh38, 1-based): chr2:178,531,992, T>C on the plus strand (A>G on the coding strand, the complement: TTN is on the minus strand). VCF-style: chr2-178531992-T-C. GRCh37 (hg19) VCF-style: chr2-179396719-T-C.
Other names: c.99700A>G, p.Arg33234Gly (NM_001256850.1); c.77428A>G, p.Arg25810Gly (NM_003319.4); c.96919A>G, p.Arg32307Gly (NM_133378.4); c.77803A>G, p.Arg25935Gly (NM_133432.3); c.78004A>G, p.Arg26002Gly (NM_133437.4); short protein forms R34875G, R32307G, R33234G, R25810G, R25935G, R26002G.
Identifiers: ClinVar variation 283222 (VCV000283222.11), dbSNP rs377594642, ClinGen allele CA10604428.